The following is an entry in ClinVar:

NM_000135.4(FANCA):c.3519G>A (p.Trp1173Ter)

Gene: FANCA (FA complementation group A; minus strand). Cytogenetic location: 16q24.3.
Variant type: single nucleotide variant.
Coding change: c.3519G>A on transcript NM_000135.4 (MANE Select); coding-DNA position 3519, G replaced by A.
Protein change: p.Trp1173Ter; replaces tryptophan 1173 with a stop codon.
Molecular consequence: nonsense.
Genome position (GRCh38, 1-based): chr16:89,745,066, C>T on the plus strand (G>A on the coding strand, the complement: FANCA is on the minus strand). VCF-style: chr16-89745066-C-T. GRCh37 (hg19) VCF-style: chr16-89811474-C-T.
Other names: c.3519G>A, p.Trp1173Ter (NM_001286167.3); short protein forms W1173*.
Identifiers: ClinVar variation 2070173 (VCV002070173.6), dbSNP rs758341181, ClinGen allele CA397485787.

ClinVar aggregate classification (germline): Pathogenic/Likely pathogenic. Review status: criteria provided, multiple submitters, no conflicts (2 of 4 stars). 3 submissions from 3 submitters: Pathogenic (2); Likely pathogenic (1). Last evaluated 2025-08-03.

Conditions:
Fanconi anemia (FA). Also called: Fanconi's anemia. Identifiers: Orphanet 84, MedGen C0015625, MeSH D005199, MONDO:0019391.
Fanconi anemia complementation group A (FANCA). Also called: FANCA-Related Fanconi Anemia; Fanconi anemia, group A. Identifiers: Orphanet 84, MedGen C3469521, MONDO:0009215, OMIM 227650.

Submissions (3):

Labcorp Genetics (formerly Invitae), Labcorp
Classification: Pathogenic for Fanconi anemia. Last evaluated: 2025-08-03. Review status: criteria provided, single submitter. Criteria: Invitae Variant Classification Sherloc (09022015). Collection method: clinical testing. Allele origin: germline.
Comment: This sequence change creates a premature translational stop signal (p.Trp1173*) in the FANCA gene. It is expected to result in an absent or disrupted protein product. Loss-of-function variants in FANCA are known to be pathogenic (PMID: 19367192). This variant is not present in population databases (gnomAD no frequency). This variant has not been reported in the literature in individuals affected with FANCA-related conditions. ClinVar contains an entry for this variant (Variation ID: 2070173). For these reasons, this variant has been classified as Pathogenic.

Baylor Genetics
Classification: Likely pathogenic for Fanconi anemia complementation group A. Last evaluated: 2024-03-09. Review status: criteria provided, single submitter. Criteria: ACMG Guidelines, 2015. Collection method: clinical testing. Allele origin: unknown.

Myriad Genetics, Inc.
Classification: Pathogenic for Fanconi anemia complementation group A. Last evaluated: 2024-02-14. Review status: criteria provided, single submitter. Criteria: Myriad Autosomal Dominant, Autosomal Recessive and X-Linked Classification Criteria (2023). Collection method: clinical testing. Allele origin: unknown.
Comment: NM_000135.2(FANCA):c.3519G>A(W1173*) is expected to be pathogenic in the context of Fanconi anemia complementation group A. This variant is predicted to lead to an abnormal or absent protein product due to the creation of a premature termination codon in FANCA, a gene where loss-of-function variants are known to be pathogenic. Please note: this variant was assessed in the context of healthy population screening.

Literature cited by the submitters: PubMed 19367192 (cited by Labcorp Genetics (formerly Invitae), Labcorp).